The following is an entry in ClinVar:

NM_198880.3(QRICH1):c.2080A>G (p.Asn694Asp)

Gene: QRICH1 (glutamine rich 1; minus strand). Cytogenetic location: 3p21.31.
Variant type: single nucleotide variant.
Coding change: c.2080A>G on transcript NM_198880.3 (MANE Select); coding-DNA position 2080, A replaced by G.
Protein change: p.Asn694Asp; replaces asparagine 694 with aspartic acid.
Molecular consequence: missense variant.
Genome position (GRCh38, 1-based): chr3:49,032,241, T>C on the plus strand (A>G on the coding strand, the complement: QRICH1 is on the minus strand). VCF-style: chr3-49032241-T-C. GRCh37 (hg19) VCF-style: chr3-49069674-T-C.
Other names: c.2080A>G, p.Asn694Asp (NM_001320580.2, NM_001320581.2, NM_001320582.2 and 4 more transcripts); short protein forms N694D.
Identifiers: ClinVar variation 1698195 (VCV001698195.3), dbSNP rs2106810101, ClinGen allele CA352752389.
Genomic context (GRCh38, chr3:49,032,241, plus strand): 5'-ACCATTTGAAGAGGTAGAAATCATAGAGCTTGATGGGACATCTCAATGGATTCTCTGGAT[T>C]TTCCGTCTGTTCTGCATACATGTCATCTGTAACTATAAAACACACATCCCCACCACCACA-3'
Protein context (NP_942581.1, residues 684-704): TDDMYAEQTE[Asn694Asp]PENPLRCPIK

ClinVar aggregate classification (germline): Uncertain significance (1 of 4 stars; one submission).

Submission:

GeneDx
Classification: Uncertain significance. Last evaluated: 2022-08-25. Review status: criteria provided, single submitter. Criteria: GeneDx Variant Classification Process June 2021. Collection method: clinical testing. Allele origin: germline.
Comment: Has not been previously published as pathogenic or benign to our knowledge; Not observed at significant frequency in large population cohorts (gnomAD), but is present in at least one heterozygous clinically unaffected adult relative of an individual referred for genetic testing at GeneDx; In silico analysis supports that this missense variant has a deleterious effect on protein structure/function